The following is an entry in ClinVar:

NM_014516.4(CNOT3):c.794C>T (p.Thr265Ile)

Gene: CNOT3 (CCR4-NOT transcription complex subunit 3; plus strand). Cytogenetic location: 19q13.42.
Variant type: single nucleotide variant.
Coding change: c.794C>T on transcript NM_014516.4 (MANE Select); coding-DNA position 794, C replaced by T.
Protein change: p.Thr265Ile; replaces threonine 265 with isoleucine.
Molecular consequence: missense variant.
Genome position (GRCh38, 1-based): chr19:54,146,000, C>T. VCF-style: chr19-54146000-C-T. GRCh37 (hg19) VCF-style: chr19-54649736-C-T.
Other names: short protein forms T265I.
Identifiers: ClinVar variation 1700931 (VCV001700931.3), dbSNP rs2074652352, ClinGen allele CA407761859.

ClinVar aggregate classification (germline): Uncertain significance. Review status: criteria provided, multiple submitters, no conflicts (2 of 4 stars). 2 submissions from 2 submitters: Uncertain significance (2). Last evaluated 2025-03-24.

Allele frequency attached by ClinVar (database versions not stated): TOPMed below 0.00001.

Submissions (2):

Women's Health and Genetics/Laboratory Corporation of America, LabCorp
Classification: Uncertain significance. Last evaluated: 2025-03-24. Review status: criteria provided, single submitter. Criteria: LabCorp Variant Classification Summary - May 2015. Collection method: clinical testing. Allele origin: germline.
Comment: Variant summary: CNOT3 c.794C>T (p.Thr265Ile) results in a non-conservative amino acid change in the encoded protein sequence. Three of five in-silico tools predict a damaging effect of the variant on protein function. The variant was absent in 250962 control chromosomes. The available data on variant occurrences in the general population are insufficient to allow any conclusion about variant significance. To our knowledge, no occurrence of c.794C>T in individuals affected with Intellectual Developmental Disorder With Speech Delay, Autism, And Dysmorphic Facies and no experimental evidence demonstrating its impact on protein function have been reported. ClinVar contains an entry for this variant (Variation ID: 1700931). Based on the evidence outlined above, the variant was classified as uncertain significance.

GeneDx
Classification: Uncertain significance. Last evaluated: 2022-01-28. Review status: criteria provided, single submitter. Criteria: GeneDx Variant Classification Process June 2021. Collection method: clinical testing. Allele origin: germline. Affected: yes.
Comment: Not observed at significant frequency in large population cohorts (gnomAD); In silico analysis supports that this missense variant has a deleterious effect on protein structure/function; Has not been previously published as pathogenic or benign to our knowledge